The following is an entry in ClinVar:

NM_001351132.2(PEX5):c.1815C>T (p.Ser605=)

Gene: PEX5 (peroxisomal biogenesis factor 5; plus strand). Cytogenetic location: 12p13.31.
Variant type: single nucleotide variant.
Coding change: c.1815C>T on transcript NM_001351132.2 (MANE Select); coding-DNA position 1815, C replaced by T.
Protein change: p.Ser605=; no amino-acid change (serine 605 retained).
Molecular consequence: synonymous variant.
Genome position (GRCh38, 1-based): chr12:7,210,118, C>T. VCF-style: chr12-7210118-C-T. GRCh37 (hg19) VCF-style: chr12-7362714-C-T.
Other names: c.1815C>T (NM_001131025.1); c.1791C>T, p.Ser597= (NM_000319.5); c.1860C>T, p.Ser620= (NM_001131023.2); c.1704C>T, p.Ser568= (NM_001131024.2, NM_001351124.3, NM_001351126.2 and 7 more transcripts); c.1815C>T, p.Ser605= (NM_001131025.2, NM_001131026.2, NM_001300789.3 and 4 more transcripts); c.1749C>T, p.Ser583= (NM_001351135.3, NM_001351138.2); c.1806C>T, p.Ser602= (NM_001351136.2); c.1680C>T, p.Ser560= (NM_001351139.2, NM_001351140.2, NM_001374649.2).
Identifiers: ClinVar variation 2909771 (VCV002909771.5), dbSNP rs754429044, ClinGen allele CA6426595.
Genomic context (GRCh38, chr12:7,210,118, plus strand): 5'-GCAGAGGAAAAGCCGGGGCCCCCGGGGTGAAGGAGGTGCCATGTCGGAGAACATCTGGAG[C>T]ACCCTGCGTTTGGCATTGTCTATGTTAGGCCAGAGCGATGCCTATGGGGCAGCCGACGCG-3'
Protein context (NP_001338061.1, residues 595-615): EGGAMSENIW[Ser605=]TLRLALSMLG

ClinVar aggregate classification (germline): Likely benign. Review status: criteria provided, multiple submitters, no conflicts (2 of 4 stars). 3 submissions from 3 submitters: Likely benign (3). Last evaluated 2026-01-02.

Conditions:
PEX5-related disorder. Also called: PEX5-related condition; PEX5-Related Disorders.
Peroxisome biogenesis disorder 2B (PBD2B). Identifiers: Orphanet 44, MedGen C3550234, MONDO:0008736, OMIM 202370.

Allele frequency attached by ClinVar (database versions not stated): gnomAD 0.00003; gnomAD exomes 0.00003; ExAC 0.00007; 1000 Genomes Project 30x 0.00016; 1000 Genomes Project 0.00020.
gnomAD v4.1: 49 of 1,614,214 alleles (0.003%); highest among the groups gnomAD compares: South Asian, 0.054%; 1 homozygote.

Submissions (3):

Labcorp Genetics (formerly Invitae), Labcorp
Classification: Likely benign for Peroxisome biogenesis disorder 2B. Last evaluated: 2026-01-02. Review status: criteria provided, single submitter. Criteria: Invitae Variant Classification Sherloc (09022015). Collection method: clinical testing. Allele origin: germline.

PreventionGenetics, part of Exact Sciences
Classification: Likely benign for PEX5-related condition. Last evaluated: 2025-08-13. Review status: criteria provided, single submitter. Criteria: ACMG Guidelines, 2015. Collection method: clinical testing. Allele origin: germline.
Comment: This variant is classified as likely benign based on ACMG/AMP sequence variant interpretation guidelines (Richards et al. 2015 PMID: 25741868, with internal and published modifications).

Blueprint Genetics
Classification: Likely benign. Last evaluated: 2024-04-16. Review status: criteria provided, single submitter. Criteria: ACMG Guidelines, 2015. Collection method: clinical testing. Allele origin: germline.